The following is an entry in ClinVar:

ClinVar aggregate classification (germline): Uncertain significance (1 of 4 stars; one submission).

Conditions:
Ataxia-telangiectasia syndrome (AT). Also called: AT, COMPLEMENTATION GROUP C; ATAXIA-TELANGIECTASIA, COMPLEMENTATION GROUP A; ATAXIA-TELANGIECTASIA, FRESNO VARIANT; Ataxia-telangiectasia; Ataxia-telangiectasia, complementation group D; Ataxia-telangiectasia, complementation group E. Identifiers: Orphanet 100, MedGen C0004135, MONDO:0008840, OMIM 208900.

Submission:

Labcorp Genetics (formerly Invitae), Labcorp
Classification: Uncertain significance for Ataxia-telangiectasia syndrome. Last evaluated: 2023-10-28. Review status: criteria provided, single submitter. Criteria: Invitae Variant Classification Sherloc (09022015). Collection method: clinical testing. Allele origin: germline.
Comment: This sequence change replaces alanine, which is neutral and non-polar, with valine, which is neutral and non-polar, at codon 1634 of the ATM protein (p.Ala1634Val). This variant is not present in population databases (gnomAD no frequency). This variant has not been reported in the literature in individuals affected with ATM-related conditions. An algorithm developed to predict the effect of missense changes on protein structure and function (PolyPhen-2) suggests that this variant is likely to be tolerated. In summary, the available evidence is currently insufficient to determine the role of this variant in disease. Therefore, it has been classified as a Variant of Uncertain Significance.

NM_000051.4(ATM):c.4901C>T (p.Ala1634Val)

Gene: ATM (ATM serine/threonine kinase; plus strand). Cytogenetic location: 11q22.3.
Variant type: single nucleotide variant.
Coding change: c.4901C>T on transcript NM_000051.4 (MANE Select); coding-DNA position 4901, C replaced by T.
Protein change: p.Ala1634Val; replaces alanine 1634 with valine.
Molecular consequence: missense variant.
Genome position (GRCh38, 1-based): chr11:108,295,051, C>T. VCF-style: chr11-108295051-C-T. GRCh37 (hg19) VCF-style: chr11-108165778-C-T.
Other names: c.4901C>T, p.Ala1634Val (NM_001351834.2); short protein forms A1634V.
Identifiers: ClinVar variation 2977582 (VCV002977582.3), dbSNP rs2135838047, ClinGen allele CA382537281.
Genomic context (GRCh38, chr11:108,295,051, plus strand): 5'-TAAAGGATCTTCGAAGACAACTGGAACTACATAAAGATCAGATGGTGGACATTATGAGAG[C>T]TTCTCAGGGTGCTAATTTTAAATGACATGGGCTATTTCTACCTGTTTCTTTTTGAAAGAA-3'
Protein context (NP_000042.3, residues 1624-1644): HKDQMVDIMR[Ala1634Val]SQDNPQDGIM